The following is an entry in ClinVar:

ClinVar aggregate classification (germline): Uncertain significance (1 of 4 stars; one submission).

Conditions:
Familial thoracic aortic aneurysm and aortic dissection (TAAD). Also called: Thoracic aortic aneurysms and dissections. Identifiers: Orphanet 91387, MedGen C4707243, MONDO:0019625.

gnomAD v4.1: 2 of 1,209,959 alleles (0.00017%); highest among the groups gnomAD compares: Non-Finnish European, 0.00022%; no homozygotes.

Submission:

Ambry Genetics
Classification: Uncertain significance for Familial thoracic aortic aneurysm and aortic dissection. Last evaluated: 2025-12-30. Review status: criteria provided, single submitter. Criteria: Ambry Variant Classification Scheme 2023. Collection method: clinical testing. Allele origin: germline.
Comment: The p.N940S variant (also known as c.2819A>G), located in coding exon 20 of the MED12 gene, results from an A to G substitution at nucleotide position 2819. The asparagine at codon 940 is replaced by serine, an amino acid with highly similar properties. This amino acid position is conserved. In addition, this alteration is predicted to be tolerated by in silico analysis. Based on the available evidence, the clinical significance of this variant remains unclear.

NM_005120.3(MED12):c.2819A>G (p.Asn940Ser)

Gene: MED12 (mediator complex subunit 12; plus strand). Cytogenetic location: Xq13.1.
Variant type: single nucleotide variant.
Coding change: c.2819A>G on transcript NM_005120.3 (MANE Select); coding-DNA position 2819, A replaced by G.
Protein change: p.Asn940Ser; replaces asparagine 940 with serine.
Molecular consequence: missense variant.
Genome position (GRCh38, 1-based): chrX:71,127,102, A>G. VCF-style: chrX-71127102-A-G. GRCh37 (hg19) VCF-style: chrX-70346952-A-G.
Other names: short protein forms N940S.
Identifiers: ClinVar variation 4635411 (VCV004635411.2).